The following is an entry in ClinVar:

ClinVar aggregate classification (germline): Uncertain significance (1 of 4 stars; one submission).

Conditions:
POLD1-related polyposis and colorectal cancer syndrome (CRCS10). Also called: Colorectal cancer 10; COLORECTAL CANCER, SUSCEPTIBILITY TO, ON CHROMOSOME 19q; Colorectal cancer, susceptibility to, 10. Identifiers: Orphanet 220460, MedGen C2675481, MONDO:0012953, OMIM 612591.

Submission:

Labcorp Genetics (formerly Invitae), Labcorp
Classification: Uncertain significance for POLD1-related polyposis and colorectal cancer syndrome. Last evaluated: 2023-03-07. Review status: criteria provided, single submitter. Criteria: Invitae Variant Classification Sherloc (09022015). Collection method: clinical testing. Allele origin: germline.
Comment: This sequence change replaces tyrosine, which is neutral and polar, with histidine, which is basic and polar, at codon 1037 of the POLD1 protein (p.Tyr1037His). This variant is not present in population databases (gnomAD no frequency). This variant has not been reported in the literature in individuals affected with POLD1-related conditions. Advanced modeling of protein sequence and biophysical properties (such as structural, functional, and spatial information, amino acid conservation, physicochemical variation, residue mobility, and thermodynamic stability) performed at Invitae indicates that this missense variant is not expected to disrupt POLD1 protein function. In summary, the available evidence is currently insufficient to determine the role of this variant in disease. Therefore, it has been classified as a Variant of Uncertain Significance.

NM_002691.4(POLD1):c.3109T>C (p.Tyr1037His)

Gene: POLD1 (DNA polymerase delta 1, catalytic subunit; plus strand). Cytogenetic location: 19q13.33.
Variant type: single nucleotide variant.
Coding change: c.3109T>C on transcript NM_002691.4 (MANE Select); coding-DNA position 3109, T replaced by C.
Protein change: p.Tyr1037His; replaces tyrosine 1037 with histidine.
Molecular consequence: missense variant. On other transcripts: non-coding transcript variant (1).
Genome position (GRCh38, 1-based): chr19:50,417,086, T>C. VCF-style: chr19-50417086-T-C. GRCh37 (hg19) VCF-style: chr19-50920343-T-C.
Other names: c.3109T>C, p.Tyr1037His (NM_001256849.1); c.3187T>C, p.Tyr1063His (NM_001308632.1); short protein forms Y1037H, Y1063H.
Identifiers: ClinVar variation 2843297 (VCV002843297.3), dbSNP rs2514075044, ClinGen allele CA406987163.
Genomic context (GRCh38, chr19:50,417,086, plus strand): 5'-CTGACCCGCCTCCCCACAGGAGCCGTGTGTGAGTTCTGCCAGCCCCGGGAGTCTGAGCTG[T>C]ATCAGAAGGAGGTGAGAGGGCCGGGAGGTGAGGAGGGGCCAGGTGGGGAGGCGGGGGCGC-3'
Protein context (NP_002682.2, residues 1027-1047): EFCQPRESEL[Tyr1037His]QKEVSHLNAL